The following is an entry in ClinVar:

ClinVar aggregate classification (germline): Uncertain significance (1 of 4 stars; one submission).

Conditions:
Thrombocytopenia 1. Also called: THROMBOCYTOPENIA, X-LINKED, 1; X-Linked Thrombocytopenia (XLT); X-linked thrombocytopenia with normal platelets. Identifiers: Orphanet 268322, Orphanet 852, MedGen C1839163, MONDO:0010743, OMIM 313900.
Wiskott-Aldrich syndrome (WAS). Also called: ALDRICH SYNDROME; IMMUNODEFICIENCY 2; WISKOTT-ALDRICH SYNDROME 1; Wiskott-aldrich syndrome, somatic. Identifiers: Orphanet 906, MedGen C0043194, MONDO:0010518, OMIM 301000.
X-linked severe congenital neutropenia (SCNX). Identifiers: Orphanet 86788, MedGen C1845987, MONDO:0010294, OMIM 300299.

gnomAD v4.1: 6 of 1,210,307 alleles (0.0005%); highest among the groups gnomAD compares: Non-Finnish European, 0.00067%; no homozygotes.

Submission:

Labcorp Genetics (formerly Invitae), Labcorp
Classification: Uncertain significance for Wiskott-Aldrich syndrome; X-linked severe congenital neutropenia; Thrombocytopenia 1. Last evaluated: 2025-12-03. Review status: criteria provided, single submitter. Criteria: Invitae Variant Classification Sherloc (09022015). Collection method: clinical testing. Allele origin: germline.
Comment: This sequence change replaces asparagine, which is neutral and polar, with tyrosine, which is neutral and polar, at codon 204 of the WAS protein (p.Asn204Tyr). This variant is not present in population databases (gnomAD no frequency). This variant has not been reported in the literature in individuals affected with WAS-related conditions. ClinVar contains an entry for this variant (Variation ID: 3751145). Invitae Evidence Modeling of protein sequence and biophysical properties (such as structural, functional, and spatial information, amino acid conservation, physicochemical variation, residue mobility, and thermodynamic stability) indicates that this missense variant is not expected to disrupt WAS protein function with a negative predictive value of 80%. In summary, the available evidence is currently insufficient to determine the role of this variant in disease. Therefore, it has been classified as a Variant of Uncertain Significance.

NM_000377.3(WAS):c.610A>T (p.Asn204Tyr)

Gene: WAS (WASP actin nucleation promoting factor; plus strand). Cytogenetic location: Xp11.23.
Variant type: single nucleotide variant.
Coding change: c.610A>T on transcript NM_000377.3 (MANE Select); coding-DNA position 610, A replaced by T.
Protein change: p.Asn204Tyr; replaces asparagine 204 with tyrosine.
Molecular consequence: missense variant.
Genome position (GRCh38, 1-based): chrX:48,686,831, A>T. VCF-style: chrX-48686831-A-T. GRCh37 (hg19) VCF-style: chrX-48545220-A-T.
Other names: short protein forms N204Y.
Identifiers: ClinVar variation 3751145 (VCV003751145.2).
Genomic context (GRCh38, chrX:48,686,831, plus strand): 5'-TTCCCCACAGGCCCTCCAGTGGGTCCGCTCTCCCTGGGGCTGGCGACAGTGGACATCCAG[A>T]ACCCTGACATCACGAGTTCACGATACCGTGGGCTCCCAGCACCTGGACCTAGCCCAGCTG-3'
Protein context (NP_000368.1, residues 194-214): SLGLATVDIQ[Asn204Tyr]PDITSSRYRG